The following is an entry in ClinVar:

NM_018429.3(BDP1):c.3797A>C (p.Glu1266Ala)

Gene: BDP1 (BDP1 general transcription factor IIIB subunit; plus strand). Cytogenetic location: 5q13.2.
Variant type: single nucleotide variant.
Coding change: c.3797A>C on transcript NM_018429.3 (MANE Select); coding-DNA position 3797, A replaced by C.
Protein change: p.Glu1266Ala; replaces glutamic acid 1266 with alanine.
Molecular consequence: missense variant.
Genome position (GRCh38, 1-based): chr5:71,510,889, A>C. VCF-style: chr5-71510889-A-C. GRCh37 (hg19) VCF-style: chr5-70806716-A-C.
Other names: short protein forms E1266A.
Identifiers: ClinVar variation 1247603 (VCV001247603.5), dbSNP rs377548231, ClinGen allele CA3296534.
Genomic context (GRCh38, chr5:71,510,889, plus strand): 5'-CTATAAGGGAAAAGGAGATTGATTTGAAAGAAACTGGAAAAAGAGACATTCCCATCATGG[A>C]GAAAGTATCAGGAAAGATGGCTGTTGTTGAAGAAATGGAGGCAGATTTGAAAGAAACTGG-3'
Protein context (NP_060899.2, residues 1256-1276): ETGKRDIPIM[Glu1266Ala]KVSGKMAVVE

ClinVar aggregate classification (germline): Benign/Likely benign. Review status: criteria provided, multiple submitters, no conflicts (2 of 4 stars). 3 submissions from 3 submitters: Benign (1); Likely benign (1). 1 of the submissions does not count toward it. Last evaluated 2024-10-09.

Conditions:
BDP1-related disorder. Also called: BDP1-related condition.

Allele frequency attached by ClinVar (database versions not stated): gnomAD exomes 0.00011 and 0.00046; gnomAD 0.00016 and 0.00017; TOPMed 0.00029; 1000 Genomes Project 30x 0.00031; 1000 Genomes Project 0.00040; ExAC 0.00044.
gnomAD v4.1: 252 of 1,613,796 alleles (0.016%); highest among the groups gnomAD compares: East Asian, 0.4%; 3 homozygotes.

Submissions (3):

Blueprint Genetics
Classification: Likely benign. Last evaluated: 2024-10-09. Review status: criteria provided, single submitter. Criteria: ACMG Guidelines, 2015. Collection method: clinical testing. Allele origin: germline.

GeneDx
Classification: Benign. Last evaluated: 2019-11-18. Review status: criteria provided, single submitter. Criteria: GeneDx Variant Classification Process June 2021. Collection method: clinical testing. Allele origin: germline. Affected: yes.

PreventionGenetics, part of Exact Sciences
Classification: Likely benign for BDP1-related condition. Last evaluated: 2020-07-17. Review status: no assertion criteria provided. Collection method: clinical testing. Allele origin: germline. Not counted in ClinVar's aggregate classification.
Comment: This variant is classified as likely benign based on ACMG/AMP sequence variant interpretation guidelines (Richards et al. 2015 PMID: 25741868, with internal and published modifications).